The following is an entry in ClinVar:

ClinVar aggregate classification (germline): Likely pathogenic (1 of 4 stars; one submission).

Submission:

Labcorp Genetics (formerly Invitae), Labcorp
Classification: Likely pathogenic. Last evaluated: 2022-12-28. Review status: criteria provided, single submitter. Criteria: Invitae Variant Classification Sherloc (09022015). Collection method: clinical testing. Allele origin: germline.
Comment: This sequence change affects an acceptor splice site in intron 26 of the PKD1L1 gene. It is expected to disrupt RNA splicing. Variants that disrupt the donor or acceptor splice site typically lead to a loss of protein function (PMID: 16199547), and loss-of-function variants in PKD1L1 are known to be pathogenic (PMID: 27616478). This variant is not present in population databases (gnomAD no frequency). This variant has not been reported in the literature in individuals affected with PKD1L1-related conditions. Algorithms developed to predict the effect of sequence changes on RNA splicing suggest that this variant may disrupt the consensus splice site. In summary, the currently available evidence indicates that the variant is pathogenic, but additional data are needed to prove that conclusively. Therefore, this variant has been classified as Likely Pathogenic.

Literature cited by the submitters: PubMed 16199547; PubMed 27616478.

NM_138295.5(PKD1L1):c.4150-2A>G

Gene: PKD1L1 (polycystin 1 like 1, transient receptor potential channel interacting; minus strand). Cytogenetic location: 7p12.3.
Variant type: single nucleotide variant.
Coding change: c.4150-2A>G on transcript NM_138295.5 (MANE Select); the canonical splice acceptor site of the intron before coding-DNA position 4150, A replaced by G.
Molecular consequence: splice acceptor variant.
Genome position (GRCh38, 1-based): chr7:47,858,887, T>C on the plus strand (A>G on the coding strand, the complement: PKD1L1 is on the minus strand). VCF-style: chr7-47858887-T-C. GRCh37 (hg19) VCF-style: chr7-47898485-T-C.
Identifiers: ClinVar variation 2801822 (VCV002801822.3), dbSNP rs2484009393, ClinGen allele CA367471125.